The following is an entry in ClinVar:

ClinVar aggregate classification (germline): Likely benign. Review status: criteria provided, multiple submitters, no conflicts (2 of 4 stars). 2 submissions from 2 submitters: Likely benign (2). Last evaluated 2026-07-31.

Conditions:
Familial colorectal cancer type X. Identifiers: Orphanet 440437, MedGen C3896578, MONDO:0018604.

gnomAD v4.1: 54 of 1,501,894 alleles (0.0036%); highest among the groups gnomAD compares: Non-Finnish European, 0.0042%; no homozygotes.

Submissions (2):

Myriad Genetics, Inc.
Classification: Likely benign for Familial colorectal cancer type X. Last evaluated: 2026-07-31. Review status: criteria provided, single submitter. Criteria: Myriad Autosomal Dominant, Autosomal Recessive and X-Linked Classification Criteria (2023). Collection method: clinical testing. Allele origin: unknown.
Comment: This variant is considered likely benign. This variant is intronic and is not expected to impact mRNA splicing.

Labcorp Genetics (formerly Invitae), Labcorp
Classification: Likely benign. Last evaluated: 2024-07-19. Review status: criteria provided, single submitter. Criteria: Invitae Variant Classification Sherloc (09022015). Collection method: clinical testing. Allele origin: germline.

NM_001023.4(RPS20):c.178-18C>T

Gene: RPS20 (ribosomal protein S20; minus strand). Cytogenetic location: 8q12.1.
Variant type: single nucleotide variant.
Coding change: c.178-18C>T on transcript NM_001023.4 (MANE Select); 18 bases into the intron before coding-DNA position 178, C replaced by T.
Molecular consequence: intron variant.
Genome position (GRCh38, 1-based): chr8:56,073,290, G>A on the plus strand (C>T on the coding strand, the complement: RPS20 is on the minus strand). VCF-style: chr8-56073290-G-A. GRCh37 (hg19) VCF-style: chr8-56985849-G-A.
Other names: c.178-18C>T (NM_001146227.3).
Identifiers: ClinVar variation 3666748 (VCV003666748.3).
Genomic context (GRCh38, chr8:56,073,290, plus strand): 5'-AACCTTCACCACAAGGAGTTTTTCTTGTAGTGATTCTCAAAGTCTGTAACAAAAGACAAA[G>A]GAAACCAAGTGTTTATCGTTTTATACTTATCCCTAGAACATCTGGAAAATCATTACTTCT-3'